The following is an entry in ClinVar:

NM_001845.6(COL4A1):c.1382G>A (p.Gly461Asp)

Gene: COL4A1 (collagen type IV alpha 1 chain; minus strand). Cytogenetic location: 13q34.
Variant type: single nucleotide variant.
Coding change: c.1382G>A on transcript NM_001845.6 (MANE Select); coding-DNA position 1382, G replaced by A.
Protein change: p.Gly461Asp; replaces glycine 461 with aspartic acid.
Molecular consequence: missense variant.
Genome position (GRCh38, 1-based): chr13:110,192,913, C>T on the plus strand (G>A on the coding strand, the complement: COL4A1 is on the minus strand). VCF-style: chr13-110192913-C-T. GRCh37 (hg19) VCF-style: chr13-110845260-C-T.
Other names: c.1382G>A, p.Gly461Asp (NM_001303110.2); short protein forms G461D.
Identifiers: ClinVar variation 5040595 (VCV005040595.1).

ClinVar aggregate classification (germline): Uncertain significance (1 of 4 stars; one submission).

Submission:

CeGaT Center for Human Genetics Tuebingen
Classification: Uncertain significance. Last evaluated: 2026-08-01. Review status: criteria provided, single submitter. Criteria: CeGaT Center For Human Genetics Tuebingen Variant Classification Criteria Version 2. Collection method: clinical testing. Allele origin: germline. Affected: yes. Observed: 1 variant allele.
Comment: COL4A1: PM2